The following is an entry in ClinVar:

ClinVar aggregate classification (germline): Likely benign. Review status: criteria provided, single submitter (1 of 4 stars). 2 submissions from 2 submitters: Likely benign (1). 1 of the submissions does not count toward it. Last evaluated 2018-01-12.

Conditions:
RIPK4-related disorder. Also called: RIPK4-related condition.
Bartsocas-Papas syndrome 1. Also called: Bartsocas-Papas syndrome; MULTIPLE PTERYGIUM SYNDROME, ASLAN TYPE; PTERYGIUM, POPLITEAL, LETHAL TYPE. Identifiers: Orphanet 1234, MedGen C1849718, MONDO:0009901, OMIM 263650.

Allele frequency attached by ClinVar (database versions not stated): gnomAD exomes 0.00015 and 0.00058; gnomAD 0.00023 and 0.00031; TOPMed 0.00037; ExAC 0.00057; 1000 Genomes Project 30x 0.00109; 1000 Genomes Project 0.00120.
gnomAD v4.1: 266 of 1,612,560 alleles (0.016%); highest among the groups gnomAD compares: East Asian, 0.52%; no homozygotes.

Submissions (2):

Illumina Laboratory Services, Illumina
Classification: Likely benign for Bartsocas-Papas syndrome 1. Last evaluated: 2018-01-12. Review status: criteria provided, single submitter. Criteria: ICSL Variant Classification Criteria 13 December 2019. Collection method: clinical testing. Allele origin: germline.
Comment: This variant was observed in the ICSL laboratory as part of a predisposition screen in an ostensibly healthy population. It had not been previously curated by ICSL or reported in the Human Gene Mutation Database (HGMD: prior to June 1st, 2018), and was therefore a candidate for classification through an automated scoring system. Utilizing variant allele frequency, disease prevalence and penetrance estimates, and inheritance mode, an automated score was calculated to assess if this variant is too frequent to cause the disease. Based on the score and internal cut-off values, a variant classified as likely benign is not then subjected to further curation. The score for this variant resulted in a classification of likely benign for this disease.

PreventionGenetics, part of Exact Sciences
Classification: Benign for RIPK4-related condition. Last evaluated: 2019-08-09. Review status: no assertion criteria provided. Collection method: clinical testing. Allele origin: germline. Not counted in ClinVar's aggregate classification.
Comment: This variant is classified as benign based on ACMG/AMP sequence variant interpretation guidelines (Richards et al. 2015 PMID: 25741868, with internal and published modifications).

NM_020639.3(RIPK4):c.2250G>A (p.Thr750=)

Gene: RIPK4 (receptor interacting serine/threonine kinase 4; minus strand). Cytogenetic location: 21q22.3.
Variant type: single nucleotide variant.
Coding change: c.2250G>A on transcript NM_020639.3 (MANE Select); coding-DNA position 2250, G replaced by A.
Protein change: p.Thr750=; no amino-acid change (threonine 750 retained).
Molecular consequence: synonymous variant.
Genome position (GRCh38, 1-based): chr21:41,740,943, C>T on the plus strand (G>A on the coding strand, the complement: RIPK4 is on the minus strand). VCF-style: chr21-41740943-C-T. GRCh37 (hg19) VCF-style: chr21-43161103-C-T.
Identifiers: ClinVar variation 340011 (VCV000340011.7), dbSNP rs201024640, ClinGen allele CA10035088.